The following is an entry in ClinVar:

NM_001271.4(CHD2):c.4917C>A (p.Asp1639Glu)

Gene: CHD2 (chromodomain helicase DNA binding protein 2; plus strand). Cytogenetic location: 15q26.1.
Variant type: single nucleotide variant.
Coding change: c.4917C>A on transcript NM_001271.4 (MANE Select); coding-DNA position 4917, C replaced by A.
Protein change: p.Asp1639Glu; replaces aspartic acid 1639 with glutamic acid.
Molecular consequence: missense variant.
Genome position (GRCh38, 1-based): chr15:93,020,022, C>A. VCF-style: chr15-93020022-C-A. GRCh37 (hg19) VCF-style: chr15-93563252-C-A.
Other names: short protein forms D1639E.
Identifiers: ClinVar variation 646169 (VCV000646169.9), dbSNP rs575697793, ClinGen allele CA393907457.

ClinVar aggregate classification (germline): Uncertain significance (1 of 4 stars; one submission).

Conditions:
Developmental and epileptic encephalopathy 94 (DEE94). Also called: Epileptic encephalopathy, childhood-onset; CHD2-Related Neurodevelopmental Disorders. Identifiers: Orphanet 1942, Orphanet 2382, MedGen C3809278, MONDO:0014150, OMIM 615369.

Submission:

Labcorp Genetics (formerly Invitae), Labcorp
Classification: Uncertain significance for Developmental and epileptic encephalopathy 94. Last evaluated: 2025-10-26. Review status: criteria provided, single submitter. Criteria: Invitae Variant Classification Sherloc (09022015). Collection method: clinical testing. Allele origin: germline.
Comment: This sequence change replaces aspartic acid, which is acidic and polar, with glutamic acid, which is acidic and polar, at codon 1639 of the CHD2 protein (p.Asp1639Glu). This variant is not present in population databases (gnomAD no frequency). This variant has not been reported in the literature in individuals affected with CHD2-related conditions. ClinVar contains an entry for this variant (Variation ID: 646169). Invitae Evidence Modeling of protein sequence and biophysical properties (such as structural, functional, and spatial information, amino acid conservation, physicochemical variation, residue mobility, and thermodynamic stability) indicates that this missense variant is not expected to disrupt CHD2 protein function with a negative predictive value of 95%. In summary, the available evidence is currently insufficient to determine the role of this variant in disease. Therefore, it has been classified as a Variant of Uncertain Significance.